The following is an entry in ClinVar:

NM_152743.4(BRAT1):c.285G>T (p.Gln95His)

Gene: BRAT1 (BRCA1 associated ATM activator 1; minus strand). Cytogenetic location: 7p22.3.
Variant type: single nucleotide variant.
Coding change: c.285G>T on transcript NM_152743.4 (MANE Select); coding-DNA position 285, G replaced by T.
Protein change: p.Gln95His; replaces glutamine 95 with histidine.
Molecular consequence: missense variant. On other transcripts: non-coding transcript variant (1), intron variant (1).
Genome position (GRCh38, 1-based): chr7:2,545,054, C>A on the plus strand (G>T on the coding strand, the complement: BRAT1 is on the minus strand). VCF-style: chr7-2545054-C-A. GRCh37 (hg19) VCF-style: chr7-2584688-C-A.
Other names: c.285G>T, p.Gln95His (NM_001350626.2); c.-95-1092G>T (NM_001350627.2); short protein forms Q95H.
Identifiers: ClinVar variation 1436975 (VCV001436975.6), dbSNP rs2128399811, ClinGen allele CA366633038.
Genomic context (GRCh38, chr7:2,545,054, plus strand): 5'-GGCCCAGGTTGCTCGGCCGAGGGGTCCTGGCTCCCCAAAGAGCCCTGGTAGTAACTCCCC[C>A]TGCTGGGAAGCAAAAAAAGAAGTGAGGGTGGCCAGGCGCAGTGGCTGAAGCCTGTAATCC-3'
Protein context (NP_689956.2, residues 85-105): AQENCFQYLQ[Gln95His]GELLPGLFGE

ClinVar aggregate classification (germline): Uncertain significance (1 of 4 stars; one submission).

Conditions:
Neonatal-onset encephalopathy with rigidity and seizures. Also called: Lethal neonatal spasticity-epileptic encephalopathy syndrome. Identifiers: Orphanet 435845, MedGen C3281029, MONDO:0013784, OMIM 614498.

Submission:

Labcorp Genetics (formerly Invitae), Labcorp
Classification: Uncertain significance for Neonatal-onset encephalopathy with rigidity and seizures. Last evaluated: 2021-11-13. Review status: criteria provided, single submitter. Criteria: Invitae Variant Classification Sherloc (09022015). Collection method: clinical testing. Allele origin: germline.
Comment: This sequence change replaces glutamine, which is neutral and polar, with histidine, which is basic and polar, at codon 95 of the BRAT1 protein (p.Gln95His). This variant is not present in population databases (gnomAD no frequency). This variant has not been reported in the literature in individuals affected with BRAT1-related conditions. Algorithms developed to predict the effect of missense changes on protein structure and function are either unavailable or do not agree on the potential impact of this missense change (SIFT: "Deleterious"; PolyPhen-2: "Probably Damaging"; Align-GVGD: "Class C0"). In summary, the available evidence is currently insufficient to determine the role of this variant in disease. Therefore, it has been classified as a Variant of Uncertain Significance.